The following is an entry in ClinVar:

NM_002878.4(RAD51D):c.43G>T (p.Glu15Ter)

Genes: RAD51D (RAD51 paralog D; minus strand), RAD51L3-RFFL (RAD51L3-RFFL readthrough; minus strand). Cytogenetic location: 17q12.
Variant type: single nucleotide variant.
Coding change: c.43G>T on transcript NM_002878.4 (MANE Select); coding-DNA position 43, G replaced by T.
Protein change: p.Glu15Ter; replaces glutamic acid 15 with a stop codon.
Molecular consequence: nonsense. On other transcripts: non-coding transcript variant (2).
Genome position (GRCh38, 1-based): chr17:35,119,571, C>A on the plus strand (G>T on the coding strand, the complement: RAD51D is on the minus strand). VCF-style: chr17-35119571-C-A. GRCh37 (hg19) VCF-style: chr17-33446590-C-A.
Other names: c.43G>T, p.Glu15Ter (NM_001142571.2, NM_133629.3); short protein forms E15*.
Identifiers: ClinVar variation 3148050 (VCV003148050.2), dbSNP rs775510420, ClinGen allele CA399092456.
Genomic context (GRCh38, chr17:35,119,571, plus strand): 5'-GGCACGCGCACACCCGGTCACCTGTCTTGATCCTGTGGCTCCTGAGAAGCTGGATCATCT[C>A]CTCGGTAAGGCCAGGGCACAGTCCGACCCTGAGCACGCCCATGTTCCCCGCAGGCCGGAA-3'

ClinVar aggregate classification (germline): Pathogenic/Likely pathogenic. Review status: criteria provided, multiple submitters, no conflicts (2 of 4 stars). 2 submissions from 2 submitters: Pathogenic (1); Likely pathogenic (1). Last evaluated 2026-04-21.

Conditions:
Hereditary cancer-predisposing syndrome. Also called: Tumor predisposition; Hereditary neoplastic syndrome; Neoplastic Syndromes, Hereditary; Hereditary Cancer Syndrome. Identifiers: Orphanet 140162, MedGen C0027672, MeSH D009386, MONDO:0015356.
Breast-ovarian cancer, familial, susceptibility to, 4. Identifiers: Orphanet 145, MedGen C3280345, MONDO:0013669, OMIM 614291.

Submissions (2):

Ambry Genetics
Classification: Likely pathogenic for Hereditary cancer-predisposing syndrome. Last evaluated: 2026-04-21. Review status: criteria provided, single submitter. Criteria: Ambry Variant Classification Scheme 2023. Collection method: clinical testing. Allele origin: germline.
Comment: The p.E15* variant (also known as c.43G>T), located in coding exon 1 of the RAD51D gene, results from a G to T substitution at nucleotide position 43. This changes the amino acid from a glutamic acid to a stop codon within coding exon 1. The predicted stop codon occurs in the 5&rsquo; end of theRAD51D gene. Premature termination codons in the 5&rsquo; end of a gene have been reported to escape nonsense-mediated mRNAdecay and/or lead to re-initiation (Rivas et al. Science. 2015 May 8;348(6235):666-9; Lindeboom et al. Nat Genet. 2016 Oct;48(10):1112-8; Rhee et al. Sci Rep. 2017 May 10;7(1):1653). Direct evidence for this alteration is unavailable, however premature termination codons are typically deleterious in nature. This variant is considered to be rare based on population cohorts in the Genome Aggregation Database (gnomAD). Based on the majority of available evidence to date, this variant is likely to be pathogenic.

Myriad Genetics, Inc.
Classification: Pathogenic for Breast-ovarian cancer, familial, susceptibility to, 4. Last evaluated: 2024-01-03. Review status: criteria provided, single submitter. Criteria: Myriad Autosomal Dominant, Autosomal Recessive and X-Linked Classification Criteria (2023). Collection method: clinical testing. Allele origin: unknown.
Comment: This variant is considered pathogenic. This variant creates a termination codon and is predicted to result in premature protein truncation.